The following is an entry in ClinVar:

ClinVar aggregate classification (germline): Uncertain significance (1 of 4 stars; one submission).

Conditions:
Peroxisome biogenesis disorder 9B. Also called: PEX7-Related Refsum Disease; PEROXISOME BIOGENESIS DISORDER, PEX7-RELATED, ATYPICAL; Refsum disease, adult, 2. Identifiers: Orphanet 773, MedGen C2749346, MONDO:0013945, OMIM 614879.

Allele frequency attached by ClinVar (database versions not stated): TOPMed 0.00001; ExAC 0.00001; gnomAD exomes 0.00001.
gnomAD v4.1: 13 of 1,594,366 alleles (0.00082%); highest among the groups gnomAD compares: Non-Finnish European, 0.001%; no homozygotes.

Submission:

Labcorp Genetics (formerly Invitae), Labcorp
Classification: Uncertain significance for Peroxisome biogenesis disorder 9B. Last evaluated: 2021-08-27. Review status: criteria provided, single submitter. Criteria: Invitae Variant Classification Sherloc (09022015). Collection method: clinical testing. Allele origin: germline.
Comment: This sequence change replaces tryptophan with leucine at codon 140 of the PEX7 protein (p.Trp140Leu). The tryptophan residue is highly conserved and there is a small physicochemical difference between tryptophan and leucine. This variant is present in population databases (rs143527955, ExAC 0.002%). This variant has not been reported in the literature in individuals affected with PEX7-related conditions. Algorithms developed to predict the effect of missense changes on protein structure and function (SIFT, PolyPhen-2, Align-GVGD) all suggest that this variant is likely to be disruptive. In summary, the available evidence is currently insufficient to determine the role of this variant in disease. Therefore, it has been classified as a Variant of Uncertain Significance.

NM_000288.4(PEX7):c.419G>T (p.Trp140Leu)

Gene: PEX7 (peroxisomal biogenesis factor 7; plus strand). Cytogenetic location: 6q23.3.
Variant type: single nucleotide variant.
Coding change: c.419G>T on transcript NM_000288.4 (MANE Select); coding-DNA position 419, G replaced by T.
Protein change: p.Trp140Leu; replaces tryptophan 140 with leucine.
Molecular consequence: missense variant.
Genome position (GRCh38, 1-based): chr6:136,846,074, G>T. VCF-style: chr6-136846074-G-T. GRCh37 (hg19) VCF-style: chr6-137167212-G-T.
Other names: c.305G>T, p.Trp102Leu (NM_001410945.1); short protein forms W102L, W140L.
Identifiers: ClinVar variation 2199150 (VCV002199150.1), dbSNP rs143527955, ClinGen allele CA4017615.